The following is an entry in ClinVar:

ClinVar aggregate classification (germline): Likely benign (1 of 4 stars; one submission).

Conditions:
Leigh syndrome (NULS). Also called: Leigh's necrotizing encephalopathy; Leigh's disease; Leigh's syndrome; LEIGH SYNDROME, NUCLEAR; Leigh Syndrome (mtDNA deletion); Leigh Disease. Identifiers: Orphanet 506, MedGen C2931891, MONDO:0009723, OMIM 256000.

Submission:

Wong Mito Lab, Molecular and Human Genetics, Baylor College of Medicine
Classification: Likely benign for Leigh syndrome. Last evaluated: 2019-10-17. Review status: criteria provided, single submitter. Criteria: Modified ACMG Guidelines (Unpublished). Collection method: clinical testing. Allele origin: germline.
Comment: The NC_012920.1:m.15450T>C (YP_003024038.1:p.Phe235Ser) variant in MTCYB gene is interpretated to be a Likely Benign variant based on the modified ACMG guidelines (unpublished). This variant meets the following evidence codes: BP4, BP5

NC_012920.1(MT-CYB):m.15450T>C

Gene: MT-CYB (mitochondrially encoded cytochrome b; plus strand).
Variant type: single nucleotide variant.
Genome position: chrM-15450-T-C.
Identifiers: ClinVar variation 693885 (VCV000693885.1), dbSNP rs1603225291, ClinGen allele CA913173905.